The following is an entry in ClinVar:

NM_001903.5(CTNNA1):c.1107T>A (p.Asp369Glu)

Gene: CTNNA1 (catenin alpha 1; plus strand). Cytogenetic location: 5q31.2.
Variant type: single nucleotide variant.
Coding change: c.1107T>A on transcript NM_001903.5 (MANE Select); coding-DNA position 1107, T replaced by A.
Protein change: p.Asp369Glu; replaces aspartic acid 369 with glutamic acid.
Molecular consequence: missense variant. On other transcripts: 5 prime UTR variant (26), intron variant (2).
Genome position (GRCh38, 1-based): chr5:138,886,256, T>A. VCF-style: chr5-138886256-T-A. GRCh37 (hg19) VCF-style: chr5-138221945-T-A.
Other names: c.1107T>A, p.Asp369Glu (NM_001290307.3, NM_001323982.2, NM_001323983.1 and 3 more transcripts); c.798T>A, p.Asp266Glu (NM_001290309.3); c.738T>A, p.Asp246Glu (NM_001290310.3); c.-4T>A (NM_001290312.1, NM_001323987.1, NM_001323988.1 and 18 more transcripts); c.-401T>A (NM_001324006.1, NM_001324007.1, NM_001324008.1 and 1 more transcripts); c.-276T>A (NM_001324013.1); c.-58+10659T>A (NM_001324012.1); c.-61+10659T>A (NM_001324010.1); short protein forms D246E, D266E, D369E.
Identifiers: ClinVar variation 1052609 (VCV001052609.11), dbSNP rs1581474221, ClinGen allele CA361132565.
Genomic context (GRCh38, chr5:138,886,256, plus strand): 5'-TTTTCCTTTTATCCAGGCTGGACGTAAAGAAAGAAGTGATGCACTCAATTCTGCAATAGA[T>A]AAAATGACCAAGAAGACCAGGGACTTGCGTAGACAGGTAATCTGGATGAAAGTGCTGATT-3'
Protein context (NP_001894.2, residues 359-379): ERSDALNSAI[Asp369Glu]KMTKKTRDLR

ClinVar aggregate classification (germline): Uncertain significance. Review status: criteria provided, multiple submitters, no conflicts (2 of 4 stars). 2 submissions from 2 submitters: Uncertain significance (2). Last evaluated 2023-06-01.

Conditions:
Hereditary cancer-predisposing syndrome. Also called: Tumor predisposition; Hereditary neoplastic syndrome; Hereditary Cancer Syndrome; Neoplastic Syndromes, Hereditary. Identifiers: Orphanet 140162, MedGen C0027672, MeSH D009386, MONDO:0015356.

Submissions (2):

Labcorp Genetics (formerly Invitae), Labcorp
Classification: Uncertain significance. Last evaluated: 2023-06-01. Review status: criteria provided, single submitter. Criteria: Invitae Variant Classification Sherloc (09022015). Collection method: clinical testing. Allele origin: germline.
Comment: In summary, the available evidence is currently insufficient to determine the role of this variant in disease. Therefore, it has been classified as a Variant of Uncertain Significance. Advanced modeling of protein sequence and biophysical properties (such as structural, functional, and spatial information, amino acid conservation, physicochemical variation, residue mobility, and thermodynamic stability) performed at Invitae indicates that this missense variant is not expected to disrupt CTNNA1 protein function. ClinVar contains an entry for this variant (Variation ID: 1052609). This variant has not been reported in the literature in individuals affected with CTNNA1-related conditions. This variant is not present in population databases (gnomAD no frequency). This sequence change replaces aspartic acid, which is acidic and polar, with glutamic acid, which is acidic and polar, at codon 369 of the CTNNA1 protein (p.Asp369Glu).

Ambry Genetics
Classification: Uncertain significance for Hereditary cancer-predisposing syndrome. Last evaluated: 2022-10-08. Review status: criteria provided, single submitter. Criteria: Ambry Variant Classification Scheme 2023. Collection method: clinical testing. Allele origin: germline.
Comment: The p.D369E variant (also known as c.1107T>A), located in coding exon 7 of the CTNNA1 gene, results from a T to A substitution at nucleotide position 1107. The aspartic acid at codon 369 is replaced by glutamic acid, an amino acid with highly similar properties. This amino acid position is conserved. In addition, this alteration is predicted to be tolerated by in silico analysis. Since supporting evidence is limited at this time, the clinical significance of this alteration remains unclear.